The following is an entry in ClinVar:

NM_153456.4(HS6ST3):c.1134G>A (p.Gln378=)

Gene: HS6ST3 (heparan sulfate 6-O-sulfotransferase 3; plus strand). Cytogenetic location: 13q32.1.
Variant type: single nucleotide variant.
Coding change: c.1134G>A on transcript NM_153456.4 (MANE Select); coding-DNA position 1134, G replaced by A.
Protein change: p.Gln378=; no amino-acid change (glutamine 378 retained).
Molecular consequence: synonymous variant.
Genome position (GRCh38, 1-based): chr13:96,832,916, G>A. VCF-style: chr13-96832916-G-A. GRCh37 (hg19) VCF-style: chr13-97485170-G-A.
Identifiers: ClinVar variation 2643880 (VCV002643880.24), dbSNP rs139344619, ClinGen allele CA7023532.

ClinVar aggregate classification (germline): Likely benign (1 of 4 stars; one submission).

Allele frequency attached by ClinVar (database versions not stated): 1000 Genomes Project 0.00040; 1000 Genomes Project 30x 0.00062; ExAC 0.00105; gnomAD 0.00131; TOPMed 0.00153; ESP Exome Variant Server 0.00192; gnomAD exomes 0.00231.
gnomAD v4.1: 3,586 of 1,614,186 alleles (0.22%); highest among the groups gnomAD compares: Non-Finnish European, 0.28%; 6 homozygotes.

Submission:

CeGaT Center for Human Genetics Tuebingen
Classification: Likely benign. Last evaluated: 2022-06-01. Review status: criteria provided, single submitter. Criteria: CeGaT Center For Human Genetics Tuebingen Variant Classification Criteria Version 2. Collection method: clinical testing. Allele origin: germline. Affected: yes. Observed: 1 variant allele.
Comment: HS6ST3: BP4, BS2